The following is an entry in ClinVar:

ClinVar aggregate classification (germline): Likely benign (0 of 4 stars; one submission).

Conditions:
UVSSA-related disorder. Also called: UVSSA-related condition.

Allele frequency attached by ClinVar (database versions not stated): ExAC 0.00091; 1000 Genomes Project 0.00120; 1000 Genomes Project 30x 0.00141; gnomAD 0.00144; ESP Exome Variant Server 0.00196.
gnomAD v4.1: 479 of 1,597,750 alleles (0.03%); highest among the groups gnomAD compares: African/African-American, 0.46%; no homozygotes.

Submission:

PreventionGenetics, part of Exact Sciences
Classification: Likely benign for UVSSA-related condition. Last evaluated: 2019-02-21. Review status: no assertion criteria provided. Collection method: clinical testing. Allele origin: germline.
Comment: This variant is classified as likely benign based on ACMG/AMP sequence variant interpretation guidelines (Richards et al. 2015 PMID: 25741868, with internal and published modifications).

NM_020894.4(UVSSA):c.900G>A (p.Ser300=)

Gene: UVSSA (UV stimulated scaffold protein A; plus strand). Cytogenetic location: 4p16.3.
Variant type: single nucleotide variant.
Coding change: c.900G>A on transcript NM_020894.4 (MANE Select); coding-DNA position 900, G replaced by A.
Protein change: p.Ser300=; no amino-acid change (serine 300 retained).
Molecular consequence: synonymous variant.
Genome position (GRCh38, 1-based): chr4:1,353,379, G>A. VCF-style: chr4-1353379-G-A. GRCh37 (hg19) VCF-style: chr4-1347167-G-A.
Other names: c.900G>A, p.Ser300= (NM_001317934.2, NM_001317935.2).
Identifiers: ClinVar variation 3040915 (VCV003040915.2), dbSNP rs374676414, ClinGen allele CA2805805.